The following is an entry in ClinVar:

ClinVar aggregate classification (germline): Pathogenic (1 of 4 stars; one submission).

Conditions:
Thrombophilia due to protein S deficiency, autosomal recessive (THPH6). Identifiers: Orphanet 743, MedGen C3281092, MONDO:0013791, OMIM 614514. Disease mechanism: loss of function.

Submission:

Labcorp Genetics (formerly Invitae), Labcorp
Classification: Pathogenic for Thrombophilia due to protein S deficiency, autosomal recessive. Last evaluated: 2022-05-27. Review status: criteria provided, single submitter. Criteria: Invitae Variant Classification Sherloc (09022015). Collection method: clinical testing. Allele origin: germline.
Comment: This sequence change results in a frameshift in the PROS1 gene (p.Asn659Lysfs*26). While this is not anticipated to result in nonsense mediated decay, it is expected to disrupt the last 18 amino acid(s) of the PROS1 protein and extend the protein by 7 additional amino acid residues. For these reasons, this variant has been classified as Pathogenic. This variant disrupts a region of the PROS1 protein in which other variant(s) (p.Pro667Leu) have been determined to be pathogenic (PMID: 10790208, 20181378, 29748776, 30669159; Invitae). This suggests that this is a clinically significant region of the protein, and that variants that disrupt it are likely to be disease-causing. This variant has not been reported in the literature in individuals affected with PROS1-related conditions. This variant is not present in population databases (gnomAD no frequency).

Literature cited by the submitters: PubMed 10790208; PubMed 20181378; PubMed 29748776; PubMed 30669159.

NM_000313.4(PROS1):c.1977del (p.Asn659fs)

Gene: PROS1 (protein S; minus strand). Cytogenetic location: 3q11.1.
Variant type: Deletion.
Coding change: c.1977del on transcript NM_000313.4 (MANE Select); coding-DNA position 1977, one base deleted (T; older notation c.1977delT).
Protein change: p.Asn659fs; shifts the reading frame from asparagine 659.
Molecular consequence: frameshift variant.
Genome position (GRCh38, 1-based): chr3:93,874,299, A deleted on the plus strand (T on the coding strand, the reverse complement: PROS1 is on the minus strand). VCF-style (leftmost placement, unchanged base first): chr3-93874298-CA-C. GRCh37 (hg19) VCF-style: chr3-93593142-CA-C.
Other names: c.2073del, p.Asn691fs (NM_001314077.2); short protein forms N659fs, N691fs.
Identifiers: ClinVar variation 1999459 (VCV001999459.4), dbSNP rs2472099808, ClinGen allele CA2580070464.